The following is an entry in ClinVar:

NM_002230.4(JUP):c.931G>A (p.Gly311Arg)

Gene: JUP (junction plakoglobin; minus strand). Cytogenetic location: 17q21.2.
Variant type: single nucleotide variant.
Coding change: c.931G>A on transcript NM_002230.4 (MANE Select); coding-DNA position 931, G replaced by A.
Protein change: p.Gly311Arg; replaces glycine 311 with arginine.
Molecular consequence: missense variant.
Genome position (GRCh38, 1-based): chr17:41,765,046, C>T on the plus strand (G>A on the coding strand, the complement: JUP is on the minus strand). VCF-style: chr17-41765046-C-T. GRCh37 (hg19) VCF-style: chr17-39921298-C-T.
Other names: c.931G>A, p.Gly311Arg (NM_001352773.2, NM_001352774.2, NM_001352775.2 and 3 more transcripts); short protein forms G311R.
Identifiers: ClinVar variation 892084 (VCV000892084.6), dbSNP rs1915488679, ClinGen allele CA399499589.

ClinVar aggregate classification (germline): Uncertain significance. Review status: criteria provided, multiple submitters, no conflicts (2 of 4 stars). 3 submissions from 2 submitters: Uncertain significance (3). Last evaluated 2024-12-23.

Conditions:
Arrhythmogenic right ventricular dysplasia 12. Also called: ARRHYTHMOGENIC RIGHT VENTRICULAR DYSPLASIA, FAMILIAL, 12. Identifiers: MedGen C1969081, MONDO:0012684, OMIM 611528.
Naxos disease (NXD). Also called: KERATOSIS PALMOPLANTARIS WITH ARRHYTHMOGENIC CARDIOMYOPATHY; MAL DE NAXOS; PALMOPLANTAR KERATODERMA WITH ARRHYTHMOGENIC RIGHT VENTRICULAR CARDIOMYOPATHY AND WOOLLY HAIR; WOOLLY HAIR, PALMOPLANTAR KERATODERMA, AND CARDIAC ABNORMALITIES; CARDIOMYOPATHY, ARRHYTHMOGENIC RIGHT VENTRICULAR, WITH SKIN, HAIR, AND NAIL ABNORMALITIES. Identifiers: Orphanet 34217, MedGen C1832600, MONDO:0011017, OMIM 601214.

Allele frequency attached by ClinVar (database versions not stated): gnomAD exomes below 0.00001.

Submissions (3):

Labcorp Genetics (formerly Invitae), Labcorp
Classification: Uncertain significance for Arrhythmogenic right ventricular dysplasia 12; Naxos disease. Last evaluated: 2024-12-23. Review status: criteria provided, single submitter. Criteria: Invitae Variant Classification Sherloc (09022015). Collection method: clinical testing. Allele origin: germline.
Comment: This sequence change replaces glycine, which is neutral and non-polar, with arginine, which is basic and polar, at codon 311 of the JUP protein (p.Gly311Arg). This variant is not present in population databases (gnomAD no frequency). This variant has not been reported in the literature in individuals affected with JUP-related conditions. ClinVar contains an entry for this variant (Variation ID: 892084). An algorithm developed to predict the effect of missense changes on protein structure and function (PolyPhen-2) suggests that this variant is likely to be disruptive. In summary, the available evidence is currently insufficient to determine the role of this variant in disease. Therefore, it has been classified as a Variant of Uncertain Significance.

Illumina Laboratory Services, Illumina
Classification: Uncertain significance for Naxos disease. Last evaluated: 2018-01-13. Review status: criteria provided, single submitter. Criteria: ICSL Variant Classification Criteria 13 December 2019. Collection method: clinical testing. Allele origin: germline.

Illumina Laboratory Services, Illumina
Classification: Uncertain significance for Arrhythmogenic right ventricular dysplasia 12. Last evaluated: 2018-01-13. Review status: criteria provided, single submitter. Criteria: ICSL Variant Classification Criteria 13 December 2019. Collection method: clinical testing. Allele origin: germline.